The following is an entry in ClinVar:

ClinVar aggregate classification (germline): Uncertain significance (1 of 4 stars; one submission).

Conditions:
Candidiasis, familial, 8 (CANDF8). Identifiers: Orphanet 1334, MedGen C3714992, MONDO:0014230, OMIM 615527.

Allele frequency attached by ClinVar (database versions not stated): gnomAD exomes 0.00002 and 0.00004; ExAC 0.00004; ESP Exome Variant Server 0.00008; gnomAD 0.00012 and 0.00014; TOPMed 0.00018.
gnomAD v4.1: 47 of 1,613,836 alleles (0.0029%); highest among the groups gnomAD compares: African/African-American, 0.049%; no homozygotes.

Submission:

Labcorp Genetics (formerly Invitae), Labcorp
Classification: Uncertain significance for Candidiasis, familial, 8. Last evaluated: 2021-08-31. Review status: criteria provided, single submitter. Criteria: Invitae Variant Classification Sherloc (09022015). Collection method: clinical testing. Allele origin: germline.
Comment: This sequence change replaces glycine with aspartic acid at codon 189 of the TRAF3IP2 protein (p.Gly189Asp). The glycine residue is weakly conserved and there is a moderate physicochemical difference between glycine and aspartic acid. This variant is present in population databases (rs138401155, ExAC 0.05%). This variant has not been reported in the literature in individuals affected with TRAF3IP2-related conditions. Algorithms developed to predict the effect of missense changes on protein structure and function (SIFT, PolyPhen-2, Align-GVGD) all suggest that this variant is likely to be tolerated. In summary, the available evidence is currently insufficient to determine the role of this variant in disease. Therefore, it has been classified as a Variant of Uncertain Significance.

NM_147686.4(TRAF3IP2):c.566G>A (p.Gly189Asp)

Genes: TRAF3IP2 (TRAF3 interacting protein 2; minus strand), TRAF3IP2-AS1 (TRAF3IP2 antisense RNA 1; plus strand), LOC114803478 (TRAF3IP2 eExon liver enhancer; plus strand). Cytogenetic location: 6q21.
Variant type: single nucleotide variant.
Coding change: c.566G>A on transcript NM_147686.4 (MANE Select); coding-DNA position 566, G replaced by A.
Protein change: p.Gly189Asp; replaces glycine 189 with aspartic acid.
Molecular consequence: missense variant.
Genome position (GRCh38, 1-based): chr6:111,591,521, C>T on the plus strand (G>A on the coding strand, the complement: TRAF3IP2 is on the minus strand). VCF-style: chr6-111591521-C-T. GRCh37 (hg19) VCF-style: chr6-111912724-C-T.
Other names: c.566G>A, p.Gly189Asp (NM_001164281.3); c.593G>A, p.Gly198Asp (NM_147200.3); short protein forms G189D, G198D.
Identifiers: ClinVar variation 1009291 (VCV001009291.6), dbSNP rs138401155, ClinGen allele CA3963298.